The following is an entry in ClinVar:

ClinVar aggregate classification (germline): Pathogenic (1 of 4 stars; one submission).

Conditions:
Inborn genetic diseases. Identifiers: MedGen C0950123, MeSH D030342.

Submission:

Ambry Genetics
Classification: Pathogenic for Inborn genetic diseases. Last evaluated: 2026-03-19. Review status: criteria provided, single submitter. Criteria: Ambry Variant Classification Scheme 2023. Collection method: clinical testing. Allele origin: germline.
Comment: The c.4213A>T (p.K1405*) alteration, located in exon 3 (coding exon 3) of the SETD2 gene, consists of an A to T substitution at nucleotide position 4213. This changes the amino acid from a lysine (K) to a stop codon at amino acid position 1405. This variant is expected to result in loss of function by premature protein truncation or nonsense-mediated mRNA decay; however, loss of function of SETD2 has not been established as a mechanism of disease for Rabin-Pappas syndrome. for Luscan-Lumish syndrome; however, its clinical significance for Rabin-Pappas syndrome is uncertain. This variant was not reported in population-based cohorts in the Genome Aggregation Database (gnomAD). Based on the available evidence, this alteration is classified as pathogenic.

NM_014159.7(SETD2):c.4213A>T (p.Lys1405Ter)

Gene: SETD2 (SET domain containing 2, histone lysine methyltransferase; minus strand). Cytogenetic location: 3p21.31.
Variant type: single nucleotide variant.
Coding change: c.4213A>T on transcript NM_014159.7 (MANE Select); coding-DNA position 4213, A replaced by T.
Protein change: p.Lys1405Ter; replaces lysine 1405 with a stop codon.
Molecular consequence: nonsense. On other transcripts: non-coding transcript variant (1).
Genome position (GRCh38, 1-based): chr3:47,120,423, T>A on the plus strand (A>T on the coding strand, the complement: SETD2 is on the minus strand). VCF-style: chr3-47120423-T-A. GRCh37 (hg19) VCF-style: chr3-47161913-T-A.
Other names: c.4081A>T, p.Lys1361Ter (NM_001349370.3); short protein forms K1361*, K1405*.
Identifiers: ClinVar variation 4864344 (VCV004864344.1).